The following is an entry in ClinVar:

NM_001025616.3(ARHGAP24):c.23C>T (p.Thr8Met)

Gene: ARHGAP24 (Rho GTPase activating protein 24; plus strand). Cytogenetic location: 4q21.23.
Variant type: single nucleotide variant.
Coding change: c.23C>T on transcript NM_001025616.3 (MANE Select); coding-DNA position 23, C replaced by T.
Protein change: p.Thr8Met; replaces threonine 8 with methionine.
Molecular consequence: missense variant.
Genome position (GRCh38, 1-based): chr4:85,570,564, C>T. VCF-style: chr4-85570564-C-T. GRCh37 (hg19) VCF-style: chr4-86491717-C-T.
Other names: short protein forms T8M.
Identifiers: ClinVar variation 3713789 (VCV003713789.2).

ClinVar aggregate classification (germline): Uncertain significance (1 of 4 stars; one submission).

gnomAD v4.1: 31 of 1,613,910 alleles (0.0019%); highest among the groups gnomAD compares: African/African-American, 0.023%; no homozygotes.

Submission:

Labcorp Genetics (formerly Invitae), Labcorp
Classification: Uncertain significance. Last evaluated: 2024-03-08. Review status: criteria provided, single submitter. Criteria: Invitae Variant Classification Sherloc (09022015). Collection method: clinical testing. Allele origin: germline.
Comment: This sequence change replaces threonine, which is neutral and polar, with methionine, which is neutral and non-polar, at codon 8 of the ARHGAP24 protein (p.Thr8Met). This variant is present in population databases (rs377269441, gnomAD 0.04%). This variant has not been reported in the literature in individuals affected with ARHGAP24-related conditions. Algorithms developed to predict the effect of missense changes on protein structure and function output the following: SIFT: "Not Available"; PolyPhen-2: "Benign"; Align-GVGD: "Not Available". The methionine amino acid residue is found in multiple mammalian species, which suggests that this missense change does not adversely affect protein function. In summary, the available evidence is currently insufficient to determine the role of this variant in disease. Therefore, it has been classified as a Variant of Uncertain Significance.